The following is an entry in ClinVar:

NM_032737.4(LMNB2):c.836A>T (p.Glu279Val)

Gene: LMNB2 (lamin B2; minus strand). Cytogenetic location: 19p13.3.
Variant type: single nucleotide variant.
Coding change: c.836A>T on transcript NM_032737.4 (MANE Select); coding-DNA position 836, A replaced by T.
Protein change: p.Glu279Val; replaces glutamic acid 279 with valine.
Molecular consequence: missense variant.
Genome position (GRCh38, 1-based): chr19:2,435,020, T>A on the plus strand (A>T on the coding strand, the complement: LMNB2 is on the minus strand). VCF-style: chr19-2435020-T-A. GRCh37 (hg19) VCF-style: chr19-2435018-T-A.
Other names: short protein forms E279V.
Identifiers: ClinVar variation 2954381 (VCV002954381.3), dbSNP rs2512236535, ClinGen allele CA403255139.

ClinVar aggregate classification (germline): Uncertain significance (1 of 4 stars; one submission).

Conditions:
Lipodystrophy, partial, acquired, susceptibility to (APLD). Also called: APLD, SUSCEPTIBILITY TO. Identifiers: MedGen C3887501, MONDO:0100476, OMIM 608709.
Progressive myoclonic epilepsy type 9. Identifiers: Orphanet 457265, MedGen C4225289, MONDO:0014685, OMIM 616540.

Submission:

Labcorp Genetics (formerly Invitae), Labcorp
Classification: Uncertain significance for Progressive myoclonic epilepsy type 9; Lipodystrophy, partial, acquired, susceptibility to. Last evaluated: 2023-12-09. Review status: criteria provided, single submitter. Criteria: Invitae Variant Classification Sherloc (09022015). Collection method: clinical testing. Allele origin: germline.
Comment: This sequence change replaces glutamic acid, which is acidic and polar, with valine, which is neutral and non-polar, at codon 279 of the LMNB2 protein (p.Glu279Val). This variant is not present in population databases (gnomAD no frequency). This variant has not been reported in the literature in individuals affected with LMNB2-related conditions. Advanced modeling of protein sequence and biophysical properties (such as structural, functional, and spatial information, amino acid conservation, physicochemical variation, residue mobility, and thermodynamic stability) performed at Invitae indicates that this missense variant is expected to disrupt LMNB2 protein function with a positive predictive value of 80%. In summary, the available evidence is currently insufficient to determine the role of this variant in disease. Therefore, it has been classified as a Variant of Uncertain Significance.